The following is an entry in ClinVar:

NM_172107.4(KCNQ2):c.2555C>T (p.Pro852Leu)

Gene: KCNQ2 (potassium voltage-gated channel subfamily Q member 2; minus strand). Cytogenetic location: 20q13.33.
Variant type: single nucleotide variant.
Coding change: c.2555C>T on transcript NM_172107.4 (MANE Select); coding-DNA position 2555, C replaced by T.
Protein change: p.Pro852Leu; replaces proline 852 with leucine.
Molecular consequence: missense variant.
Genome position (GRCh38, 1-based): chr20:63,406,708, G>A on the plus strand (C>T on the coding strand, the complement: KCNQ2 is on the minus strand). VCF-style: chr20-63406708-G-A. GRCh37 (hg19) VCF-style: chr20-62038061-G-A.
Other names: p.P852L:CCG>CTG; c.2609C>T, p.Pro870Leu (NM_001382235.1); c.2498C>T, p.Pro833Leu (NM_001439003.1); c.2468C>T, p.Pro823Leu (NM_001439004.1); c.2471C>T, p.Pro824Leu (NM_004518.6); c.2501C>T, p.Pro834Leu (NM_172106.3); c.2462C>T, p.Pro821Leu (NM_172108.5); short protein forms P852L, P821L, P834L, P824L, P870L, P823L, P833L.
Identifiers: ClinVar variation 205936 (VCV000205936.50), dbSNP rs745508762, ClinGen allele CA315536.
Genomic context (GRCh38, chr20:63,406,708, plus strand): 5'-TTCCTGGGCCCGGCCCAGCCCACGTCACCAAAGGGACCCTCGCCGGTGGCCGAGCGTGGC[G>A]GGGGCCCGCACGGGGTACAGAGGTCGGAGTCGGTGTCTGACTCTCCCTCCGCAATGTAGG-3'
Protein context (NP_742105.1, residues 842-862): DSDLCTPCGP[Pro852Leu]PRSATGEGPF

ClinVar aggregate classification (germline): Conflicting classifications of pathogenicity. Review status: criteria provided, conflicting classifications (1 of 4 stars). 6 submissions from 6 submitters: Uncertain significance (5); Likely benign (1). Last evaluated 2024-06-14.

Conditions:
Inborn genetic diseases. Identifiers: MedGen C0950123, MeSH D030342.
Developmental and epileptic encephalopathy. Identifiers: MedGen C5779964, MONDO:0100620.
Developmental and epileptic encephalopathy, 7 (DEE7). Also called: KCNQ2-Related Neonatal-Onset Developmental and Epileptic Encephalopathy (NEO-DEE); KCNQ2-Related Neonatal Epileptic Encephalopathy; Early infantile epileptic encephalopathy 7. Identifiers: Orphanet 439218, MedGen C3150986, MONDO:0013387, OMIM 613720.
Seizures, benign familial neonatal, 1. Also called: KCNQ2-Related Self-Limited Familial Neonatal Epilepsy (SLFNE); KCNQ2-Related Benign Familial Neonatal Epilepsy; Benign Neonatal Epilepsy 1; Seizures, benign neonatal, 1. Identifiers: Orphanet 1949, MedGen C3149074, MONDO:0007365, OMIM 121200.

Allele frequency attached by ClinVar (database versions not stated): gnomAD 0.00001; gnomAD exomes 0.00002 and 0.00001; TOPMed 0.00002; ExAC 0.00001.

Submissions (6):

Blueprint Genetics
Classification: Uncertain significance. Last evaluated: 2024-06-14. Review status: criteria provided, single submitter. Criteria: ACMG Guidelines, 2015. Collection method: clinical testing. Allele origin: germline.

Labcorp Genetics (formerly Invitae), Labcorp
Classification: Uncertain significance for Early-infantile DEE. Last evaluated: 2024-06-04. Review status: criteria provided, single submitter. Criteria: Invitae Variant Classification Sherloc (09022015). Collection method: clinical testing. Allele origin: germline.
Comment: This sequence change replaces proline, which is neutral and non-polar, with leucine, which is neutral and non-polar, at codon 852 of the KCNQ2 protein (p.Pro852Leu). The frequency data for this variant in the population databases is considered unreliable, as metrics indicate poor data quality at this position in the gnomAD database. This missense change has been observed in individual(s) with clinical features of developmental and epileptic encephalopathy (PMID: 31164858). ClinVar contains an entry for this variant (Variation ID: 205936). An algorithm developed to predict the effect of missense changes on protein structure and function (PolyPhen-2) suggests that this variant is likely to be disruptive. In summary, the available evidence is currently insufficient to determine the role of this variant in disease. Therefore, it has been classified as a Variant of Uncertain Significance.

Ambry Genetics
Classification: Likely benign for Inborn genetic diseases. Last evaluated: 2024-03-01. Review status: criteria provided, single submitter. Criteria: Ambry Variant Classification Scheme 2023. Collection method: clinical testing. Allele origin: germline.

Fulgent Genetics
Classification: Uncertain significance for Seizures, benign familial neonatal, 1; Developmental and epileptic encephalopathy, 7. Last evaluated: 2021-10-20. Review status: criteria provided, single submitter. Criteria: ACMG Guidelines, 2015. Collection method: clinical testing. Allele origin: unknown.

CeGaT Center for Human Genetics Tuebingen
Classification: Uncertain significance. Last evaluated: 2021-09-01. Review status: criteria provided, single submitter. Criteria: CeGaT Center For Human Genetics Tuebingen Variant Classification Criteria Version 2. Collection method: clinical testing. Allele origin: germline. Affected: yes. Observed: 2 variant alleles.

GeneDx
Classification: Uncertain significance. Last evaluated: 2018-10-22. Review status: criteria provided, single submitter. Criteria: GeneDx Variant Classification (06012015). Collection method: clinical testing. Allele origin: germline. Affected: yes.
Comment: A variant of uncertain significance has been identified in the KCNQ2 gene. The P852L variant has not been published as a pathogenic variant, nor has it been reported as a benign variant to our knowledge. The P852L variant is not observed in large population cohorts (Lek et al., 2016). The P852L variant is a semi-conservative amino acid substitution, which may impact secondary protein structure as these residues differ in some properties. This substitution occurs at a position that is conserved in mammals. In silico analysis is inconsistent in its predictions as to whether or not the variant is damaging to the protein structure/function. Therefore, based on the currently available information, it is unclear whether this variant is a pathogenic variant or a rare benign variant.

Literature cited by the submitters: PubMed 31164858 (cited by Labcorp Genetics (formerly Invitae), Labcorp).